The following is an entry in ClinVar:

ClinVar aggregate classification (germline): Uncertain significance. Review status: criteria provided, multiple submitters, no conflicts (2 of 4 stars). 2 submissions from 2 submitters: Uncertain significance (2). Last evaluated 2026-04-24.

Conditions:
Cardiovascular phenotype. Identifiers: MedGen CN230736.

gnomAD v4.1: 1 of 1,613,622 alleles (0.000062%); highest among the groups gnomAD compares: Non-Finnish European, 0.000085%; no homozygotes.

Submissions (2):

GeneDx
Classification: Uncertain significance. Last evaluated: 2026-04-24. Review status: criteria provided, single submitter. Criteria: GeneDx Variant Classification Process June 2021. Collection method: clinical testing. Allele origin: germline.
Comment: Not observed at significant frequency in large population cohorts (gnomAD); In silico analysis supports that this missense variant has a deleterious effect on protein structure/function; Has not been previously published as pathogenic or benign to our knowledge

Ambry Genetics
Classification: Uncertain significance for Cardiovascular phenotype. Last evaluated: 2024-04-21. Review status: criteria provided, single submitter. Criteria: Ambry Variant Classification Scheme 2023. Collection method: clinical testing. Allele origin: germline.
Comment: The p.E72A variant (also known as c.215A>C), located in coding exon 3 of the SOS2 gene, results from an A to C substitution at nucleotide position 215. The glutamic acid at codon 72 is replaced by alanine, an amino acid with dissimilar properties. This amino acid position is conserved. In addition, the in silico prediction for this alteration is inconclusive. Based on the available evidence, the clinical significance of this variant remains unclear.

NM_006939.4(SOS2):c.215A>C (p.Glu72Ala)

Gene: SOS2 (SOS Ras/Rho guanine nucleotide exchange factor 2; minus strand). Cytogenetic location: 14q21.3.
Variant type: single nucleotide variant.
Coding change: c.215A>C on transcript NM_006939.4 (MANE Select); coding-DNA position 215, A replaced by C.
Protein change: p.Glu72Ala; replaces glutamic acid 72 with alanine.
Molecular consequence: missense variant.
Genome position (GRCh38, 1-based): chr14:50,201,083, T>G on the plus strand (A>C on the coding strand, the complement: SOS2 is on the minus strand). VCF-style: chr14-50201083-T-G. GRCh37 (hg19) VCF-style: chr14-50667801-T-G.
Other names: c.215A>C, p.Glu72Ala (NM_001411020.1); short protein forms E72A.
Identifiers: ClinVar variation 3321556 (VCV003321556.2).
Genomic context (GRCh38, chr14:50,201,083, plus strand): 5'-GATTGTGCATCAGCAATGGCCCATTTATCAATTGGGTGAGGAAAGGTCTTCTGAACTCGC[T>G]CCTGCTCAATCACAGCAGAACCATTGTAGTATTAATAAAAGTGTTCATAAATAGGAAATT-3'
Protein context (NP_008870.2, residues 62-82): AQPRTVQDVE[Glu72Ala]RVQKTFPHPI